The following is an entry in ClinVar:

ClinVar aggregate classification (germline): Uncertain significance. Review status: criteria provided, multiple submitters, no conflicts (2 of 4 stars). 2 submissions from 2 submitters: Uncertain significance (2). Last evaluated 2025-08-11.

Conditions:
Wilms tumor 1 (WT1). Also called: Wilms tumor, somatic. Identifiers: Orphanet 654, MedGen CN033288, MONDO:0008679, OMIM 194070.
Drash syndrome (DDS). Also called: NEPHROPATHY, WILMS TUMOR, AND GENITAL ANOMALIES; WILMS TUMOR AND PSEUDO- OR TRUE HERMAPHRODITISM. Identifiers: Orphanet 220, MedGen C0950121, MONDO:0008682, OMIM 194080.
11p partial monosomy syndrome (WAGR). Also called: WAGR Spectrum Disorder; CHROMOSOME 11p13 DELETION SYNDROME; WAGR syndrome; WAGR Complex. Identifiers: Orphanet 893, MedGen C0206115, MONDO:0008681, OMIM 194072.
Frasier syndrome. Identifiers: Orphanet 347, MedGen C0950122, MeSH D052159, MONDO:0007635, OMIM 136680.
Inborn genetic diseases. Identifiers: MedGen C0950123, MeSH D030342.

Allele frequency attached by ClinVar (database versions not stated): TOPMed below 0.00001.
gnomAD v4.1: 9 of 1,613,240 alleles (0.00056%); highest among the groups gnomAD compares: Non-Finnish European, 0.00076%; no homozygotes.

Submissions (2):

Labcorp Genetics (formerly Invitae), Labcorp
Classification: Uncertain significance for Wilms tumor 1; Drash syndrome; 11p partial monosomy syndrome; Frasier syndrome. Last evaluated: 2025-08-11. Review status: criteria provided, single submitter. Criteria: Invitae Variant Classification Sherloc (09022015). Collection method: clinical testing. Allele origin: germline.
Comment: This sequence change replaces threonine, which is neutral and polar, with serine, which is neutral and polar, at codon 219 of the WT1 protein (p.Thr219Ser). This variant is not present in population databases (gnomAD no frequency). This variant has not been reported in the literature in individuals affected with WT1-related conditions. ClinVar contains an entry for this variant (Variation ID: 476712). Invitae Evidence Modeling of protein sequence and biophysical properties (such as structural, functional, and spatial information, amino acid conservation, physicochemical variation, residue mobility, and thermodynamic stability) indicates that this missense variant is not expected to disrupt WT1 protein function with a negative predictive value of 95%. In summary, the available evidence is currently insufficient to determine the role of this variant in disease. Therefore, it has been classified as a Variant of Uncertain Significance.

Ambry Genetics
Classification: Uncertain significance for Inborn genetic diseases. Last evaluated: 2025-05-31. Review status: criteria provided, single submitter. Criteria: Ambry Variant Classification Scheme 2023. Collection method: clinical testing. Allele origin: germline.
Comment: The p.T219S variant (also known as c.655A>T), located in coding exon 2 of the WT1 gene, results from an A to T substitution at nucleotide position 655. The threonine at codon 219 is replaced by serine, an amino acid with similar properties. This amino acid position is conserved. In addition, the in silico prediction for this alteration is inconclusive. Based on the available evidence, the clinical significance of this variant remains unclear.

NM_024426.6(WT1):c.670A>T (p.Thr224Ser)

Gene: WT1 (WT1 transcription factor; minus strand). Cytogenetic location: 11p13.
Variant type: single nucleotide variant.
Coding change: c.670A>T on transcript NM_024426.6 (MANE Select); coding-DNA position 670, A replaced by T.
Protein change: p.Thr224Ser; replaces threonine 224 with serine.
Molecular consequence: missense variant. On other transcripts: non-coding transcript variant (1).
Genome position (GRCh38, 1-based): chr11:32,428,611, T>A on the plus strand (A>T on the coding strand, the complement: WT1 is on the minus strand). VCF-style: chr11-32428611-T-A. GRCh37 (hg19) VCF-style: chr11-32450157-T-A.
Other names: c.670A>T, p.Thr224Ser (NM_000378.6, NM_001407044.1, NM_001407045.1 and 4 more transcripts); c.19A>T, p.Thr7Ser (NM_001198551.2, NM_001198552.2); c.-93A>T (NM_001407051.1); c.655A>T, p.Thr219Ser (NM_024425.2); short protein forms T7S, T224S.
Identifiers: ClinVar variation 476712 (VCV000476712.14), dbSNP rs1554945246, ClinGen allele CA379963596.